The following is an entry in ClinVar:

ClinVar aggregate classification (germline): Uncertain significance (1 of 4 stars; one submission).

gnomAD v4.1: 2 of 1,613,954 alleles (0.00012%); highest among the groups gnomAD compares: Non-Finnish European, 0.00017%; no homozygotes.

Submission:

GeneDx
Classification: Uncertain significance. Last evaluated: 2025-07-29. Review status: criteria provided, single submitter. Criteria: GeneDx Variant Classification Process June 2021. Collection method: clinical testing. Allele origin: germline. Affected: yes.
Comment: Not observed at significant frequency in large population cohorts (gnomAD); In silico analysis suggests that this missense variant does not alter protein structure/function; Has not been previously published as pathogenic or benign to our knowledge

NM_003458.4(BSN):c.1369A>C (p.Thr457Pro)

Gene: BSN (bassoon presynaptic cytomatrix protein; plus strand). Cytogenetic location: 3p21.31.
Variant type: single nucleotide variant.
Coding change: c.1369A>C on transcript NM_003458.4 (MANE Select); coding-DNA position 1369, A replaced by C.
Protein change: p.Thr457Pro; replaces threonine 457 with proline.
Molecular consequence: missense variant.
Genome position (GRCh38, 1-based): chr3:49,643,003, A>C. VCF-style: chr3-49643003-A-C. GRCh37 (hg19) VCF-style: chr3-49680436-A-C.
Other names: short protein forms T457P.
Identifiers: ClinVar variation 4690120 (VCV004690120.1).
Genomic context (GRCh38, chr3:49,643,003, plus strand): 5'-AGTCCAAAGCATGGCAGAGCAGAACATCAGGCAGCATCGAAGGCTGCTGCCAAGCCAAAG[A>C]CCATGCCGAAGGAAAGGGCCATCTGCCCACTGTGCCAAGCCGAGCTCAACGTGGGCAGCA-3'
Protein context (NP_003449.2, residues 447-467): AASKAAAKPK[Thr457Pro]MPKERAICPL